The following is an entry in ClinVar:

ClinVar aggregate classification (germline): Benign (1 of 4 stars; one submission).

Conditions:
Lynch syndrome 5 (LYNCH5). Also called: Colorectal cancer, hereditary nonpolyposis, type 5; Hereditary non-polyposis colorectal cancer, type 5. Identifiers: Orphanet 144, MedGen C1833477, MONDO:0013710, OMIM 614350. Disease mechanism: loss of function.

Submission:

Myriad Genetics, Inc.
Classification: Benign for Lynch syndrome 5. Last evaluated: 2025-01-06. Review status: criteria provided, single submitter. Criteria: Myriad Autosomal Dominant, Autosomal Recessive and X-Linked Classification Criteria (2023). Collection method: clinical testing. Allele origin: unknown.
Comment: This variant is considered benign. This variant is a silent/synonymous amino acid change and it is not expected to impact splicing.

NM_000179.3(MSH6):c.3303_3306delinsAACA (p.Lys1101_Thr1102=)

Gene: MSH6 (mutS homolog 6; plus strand). Cytogenetic location: 2p16.3.
Variant type: Indel.
Coding change: c.3303_3306delinsAACA on transcript NM_000179.3 (MANE Select); coding-DNA positions 3303 to 3306, GACT replaced by AACA.
Protein change: p.Lys1101_Thr1102=.
Molecular consequence: synonymous variant. On other transcripts: non-coding transcript variant (5), intron variant (1).
Genome position (GRCh38, 1-based): chr2:47,803,550-47,803,553, GACT replaced by AACA. VCF-style: chr2-47803550-GACT-AACA. GRCh37 (hg19) VCF-style: chr2-48030689-GACT-AACA.
Other names: c.2913_2916delinsAACA, p.Lys971_Thr972= (NM_001281492.2); c.2397_2400delinsAACA, p.Lys799_Thr800= (NM_001281493.2, NM_001281494.2, NM_001406811.1 and 6 more transcripts); c.3399_3402delinsAACA, p.Lys1133_Thr1134= (NM_001406795.1, NM_001406802.1); c.3303_3306delinsAACA, p.Lys1101_Thr1102= (NM_001406796.1, NM_001406800.1, NM_001406808.1 and 1 more transcripts); c.3006_3009delinsAACA, p.Lys1002_Thr1003= (NM_001406797.1, NM_001406801.1, NM_001406805.1 and 10 more transcripts); c.2778_2781delinsAACA, p.Lys926_Thr927= (NM_001406799.1, NM_001406806.1, NM_001406807.1); c.2439_2442delinsAACA, p.Lys813_Thr814= (NM_001406803.1); c.3225_3228delinsAACA, p.Lys1075_Thr1076= (NM_001406804.1); and 7 more.
Identifiers: ClinVar variation 3904647 (VCV003904647.1).